The following is an entry in ClinVar:

NM_012210.4(TRIM32):c.176T>C (p.Val59Ala)

Genes: ASTN2 (astrotactin 2; minus strand), TRIM32 (tripartite motif containing 32; plus strand). Cytogenetic location: 9q33.1.
Variant type: single nucleotide variant.
Coding change: c.176T>C on transcript NM_012210.4 (MANE Select); coding-DNA position 176, T replaced by C.
Protein change: p.Val59Ala; replaces valine 59 with alanine.
Molecular consequence: missense variant. On other transcripts: intron variant (3).
Genome position (GRCh38, 1-based): chr9:116,697,918, T>C. VCF-style: chr9-116697918-T-C. GRCh37 (hg19) VCF-style: chr9-119460197-T-C.
Other names: c.176T>C, p.Val59Ala (NM_001099679.2, NM_001379048.1, NM_001379049.1 and 1 more transcripts); c.2653+27853A>G (NM_014010.5); c.2794+27853A>G (NM_001365069.1); c.2806+27853A>G (NM_001365068.1); short protein forms V59A.
Identifiers: ClinVar variation 953428 (VCV000953428.7), dbSNP rs1261435168, ClinGen allele CA374647725.

ClinVar aggregate classification (germline): Uncertain significance (1 of 4 stars; one submission).

Conditions:
Bardet-Biedl syndrome (BBS). Identifiers: Orphanet 110, MedGen C0752166, MONDO:0015229.

Allele frequency attached by ClinVar (database versions not stated): gnomAD exomes below 0.00001; gnomAD 0.00001; TOPMed 0.00001.
gnomAD v4.1: 7 of 1,614,074 alleles (0.00043%); highest among the groups gnomAD compares: Non-Finnish European, 0.00059%; no homozygotes.

Submission:

Labcorp Genetics (formerly Invitae), Labcorp
Classification: Uncertain significance for Bardet-Biedl syndrome. Last evaluated: 2021-08-31. Review status: criteria provided, single submitter. Criteria: Invitae Variant Classification Sherloc (09022015). Collection method: clinical testing. Allele origin: germline.
Comment: This sequence change replaces valine with alanine at codon 59 of the TRIM32 protein (p.Val59Ala). The valine residue is highly conserved and there is a small physicochemical difference between valine and alanine. This variant is not present in population databases (ExAC no frequency). This variant has not been reported in the literature in individuals affected with TRIM32-related conditions. Algorithms developed to predict the effect of missense changes on protein structure and function (SIFT, PolyPhen-2, Align-GVGD) all suggest that this variant is likely to be disruptive. In summary, the available evidence is currently insufficient to determine the role of this variant in disease. Therefore, it has been classified as a Variant of Uncertain Significance.